The following is an entry in ClinVar:

NM_017807.4(OSGEP):c.973C>T (p.Arg325Trp)

Gene: OSGEP (O-sialoglycoprotein endopeptidase; minus strand). Cytogenetic location: 14q11.2.
Variant type: single nucleotide variant.
Coding change: c.973C>T on transcript NM_017807.4 (MANE Select); coding-DNA position 973, C replaced by T.
Protein change: p.Arg325Trp; replaces arginine 325 with tryptophan.
Molecular consequence: missense variant.
Genome position (GRCh38, 1-based): chr14:20,447,275, G>A on the plus strand (C>T on the coding strand, the complement: OSGEP is on the minus strand). VCF-style: chr14-20447275-G-A. GRCh37 (hg19) VCF-style: chr14-20915434-G-A.
Other names: short protein forms R325W.
Identifiers: ClinVar variation 449687 (VCV000449687.8), dbSNP rs761839638, ClinGen allele CA7081003.

ClinVar aggregate classification (germline): Conflicting classifications of pathogenicity. Review status: criteria provided, conflicting classifications (1 of 4 stars). 4 submissions from 4 submitters: Likely pathogenic (2); Uncertain significance (2). Last evaluated 2022-08-23.

Conditions:
Galloway-Mowat syndrome 3. Identifiers: MedGen C4540266, MONDO:0033007, OMIM 617729.
Inborn genetic diseases. Identifiers: MedGen C0950123, MeSH D030342.

Allele frequency attached by ClinVar (database versions not stated): gnomAD 0.00003; TOPMed 0.00011.

Submissions (4):

Labcorp Genetics (formerly Invitae), Labcorp
Classification: Uncertain significance. Last evaluated: 2022-08-23. Review status: criteria provided, single submitter. Criteria: Invitae Variant Classification Sherloc (09022015). Collection method: clinical testing. Allele origin: germline.
Comment: This sequence change replaces arginine, which is basic and polar, with tryptophan, which is neutral and slightly polar, at codon 325 of the OSGEP protein (p.Arg325Trp). This variant is present in population databases (rs761839638, gnomAD 0.07%). This missense change has been observed in individual(s) with Galloway-Mowat syndrome (PMID: 28805828). ClinVar contains an entry for this variant (Variation ID: 449687). Algorithms developed to predict the effect of missense changes on protein structure and function (SIFT, PolyPhen-2, Align-GVGD) all suggest that this variant is likely to be disruptive. Experimental studies have shown that this missense change affects OSGEP function (PMID: 28805828). This variant disrupts the p.Arg325 amino acid residue in OSGEP. Other variant(s) that disrupt this residue have been determined to be pathogenic (PMID: 28272532, 30141175). This suggests that this residue is clinically significant, and that variants that disrupt this residue are likely to be disease-causing. In summary, the available evidence is currently insufficient to determine the role of this variant in disease. Therefore, it has been classified as a Variant of Uncertain Significance.

Ambry Genetics
Classification: Likely pathogenic for Inborn genetic diseases. Last evaluated: 2018-08-27. Review status: criteria provided, single submitter. Criteria: Ambry exome assertion method (8-5-2015). Collection method: clinical testing. Allele origin: germline. Affected: yes. Observed: 1 variant allele.

Baylor Genetics
Classification: Uncertain significance for Galloway-Mowat syndrome 3. Last evaluated: 2018-06-20. Review status: criteria provided, single submitter. Criteria: ACMG Guidelines, 2015. Collection method: clinical testing. Allele origin: maternal. Affected: yes.
Comment: This variant was determined to be of uncertain significance according to ACMG Guidelines, 2015 [PMID:25741868].

GeneDx
Classification: Likely pathogenic. Last evaluated: 2017-10-18. Review status: criteria provided, single submitter. Criteria: GeneDx Variant Classification (06012015). Collection method: clinical testing. Allele origin: germline. Affected: yes.
Comment: In addition, another variant at the same residue, R325Q, has been reported, either in the homozygous state or in trans with a second OSGEP variant, in multiple individuals with clinical features of Galloway-Mowat syndrome (Braun et al., 2017; Edvardson et al., 2017). The R325W variant is not observed at a significant frequency in large population cohorts (Lek et al., 2016). This variant is a non-conservative amino acid substitution, which is likely to impact secondary protein structure as these residues differ in polarity, charge, size and/or other properties. In addition, the R325W substitution occurs at a position that is conserved across species, and in silico analysis predicts this variant is probably damaging to the protein structure/function. We interpret R325W as a likely pathogenic variant.

Literature cited by the submitters: PubMed 28805828 (cited by Labcorp Genetics (formerly Invitae), Labcorp and Ambry Genetics); PubMed 28272532 (cited by Labcorp Genetics (formerly Invitae), Labcorp and Ambry Genetics); PubMed 30141175 (cited by Labcorp Genetics (formerly Invitae), Labcorp).